The following is an entry in ClinVar:

ClinVar aggregate classification (germline): Uncertain significance (1 of 4 stars; one submission).

Allele frequency attached by ClinVar (database versions not stated): TOPMed below 0.00001; gnomAD 0.00002; ExAC 0.00003; 1000 Genomes Project 0.00020; 1000 Genomes Project 30x 0.00031.
gnomAD v4.1: 25 of 1,613,234 alleles (0.0015%); highest among the groups gnomAD compares: African/African-American, 0.0027%; no homozygotes.

Submission:

Labcorp Genetics (formerly Invitae), Labcorp
Classification: Uncertain significance. Last evaluated: 2023-08-28. Review status: criteria provided, single submitter. Criteria: Invitae Variant Classification Sherloc (09022015). Collection method: clinical testing. Allele origin: germline.
Comment: In summary, the available evidence is currently insufficient to determine the role of this variant in disease. Therefore, it has been classified as a Variant of Uncertain Significance. Experimental studies and prediction algorithms are not available or were not evaluated, and the functional significance of this variant is currently unknown. ClinVar contains an entry for this variant (Variation ID: 1958763). This variant has not been reported in the literature in individuals affected with COL18A1-related conditions. This variant is present in population databases (rs529544471, gnomAD 0.007%). This sequence change replaces proline, which is neutral and non-polar, with leucine, which is neutral and non-polar, at codon 52 of the COL18A1 protein (p.Pro52Leu).

NM_001379500.1(COL18A1):c.155C>T (p.Pro52Leu)

Gene: COL18A1 (collagen type XVIII alpha 1 chain; plus strand). Cytogenetic location: 21q22.3.
Variant type: single nucleotide variant.
Coding change: c.155C>T on transcript NM_001379500.1 (MANE Select); coding-DNA position 155, C replaced by T.
Protein change: p.Pro52Leu; replaces proline 52 with leucine.
Molecular consequence: missense variant.
Genome position (GRCh38, 1-based): chr21:45,468,290, C>T. VCF-style: chr21-45468290-C-T. GRCh37 (hg19) VCF-style: chr21-46888204-C-T.
Other names: c.695C>T, p.Pro232Leu (NM_030582.4); c.1400C>T, p.Pro467Leu (NM_130444.3); short protein forms P232L, P467L, P52L.
Identifiers: ClinVar variation 1958763 (VCV001958763.3), dbSNP rs529544471, ClinGen allele CA10065685.
Genomic context (GRCh38, chr21:45,468,290, plus strand): 5'-TTCTTTTTGCAGAGCGCATCAGCGAGGAGGTGGGGCTGCTGCAGCTCCTTGGGGACCCCC[C>T]GCCCCAGCAGGTCACCCAGACGGATGACCCCGACGTCGGGCTGGCCTACGTCTTTGGGCC-3'
Protein context (NP_001366429.1, residues 42-62): VGLLQLLGDP[Pro52Leu]PQQVTQTDDP